The following is an entry in ClinVar:

NM_052947.4(ALPK2):c.4951A>G (p.Lys1651Glu)

Gene: ALPK2 (alpha kinase 2; minus strand). Cytogenetic location: 18q21.31.
Variant type: single nucleotide variant.
Coding change: c.4951A>G on transcript NM_052947.4 (MANE Select); coding-DNA position 4951, A replaced by G.
Protein change: p.Lys1651Glu; replaces lysine 1651 with glutamic acid.
Molecular consequence: missense variant.
Genome position (GRCh38, 1-based): chr18:58,535,236, T>C on the plus strand (A>G on the coding strand, the complement: ALPK2 is on the minus strand). VCF-style: chr18-58535236-T-C. GRCh37 (hg19) VCF-style: chr18-56202468-T-C.
Other names: short protein forms K1651E.
Identifiers: ClinVar variation 2560587 (VCV002560587.2), dbSNP rs2518873756, ClinGen allele CA402559187.
Genomic context (GRCh38, chr18:58,535,236, plus strand): 5'-CCTGCAGTAATTTAGGGGCTTTCTCTAACTCACGTTCTCCTGAAATAAATGCCAAGGTCT[T>C]CGCTGAGGAGCTAGATGAGCTTGGGGGTTTGGTTTCCCCAATTTGAAGCACCTCTATTTT-3'
Protein context (NP_443179.3, residues 1641-1661): KPPSSSSSSA[Lys1651Glu]TLAFISGERE

ClinVar aggregate classification (germline): Uncertain significance (1 of 4 stars; one submission).

Allele frequency attached by ClinVar (database versions not stated): gnomAD exomes below 0.00001.
gnomAD v4.1: 1 of 1,614,170 alleles (0.000062%); highest among the groups gnomAD compares: Non-Finnish European, 0.000085%; no homozygotes.

Submission:

Ambry Genetics
Classification: Uncertain significance. Last evaluated: 2023-04-06. Review status: criteria provided, single submitter. Criteria: Ambry Variant Classification Scheme 2023. Collection method: clinical testing. Allele origin: germline.
Comment: The p.K1651E variant (also known as c.4951A>G), located in coding exon 4 of the ALPK2 gene, results from an A to G substitution at nucleotide position 4951. The lysine at codon 1651 is replaced by glutamic acid, an amino acid with similar properties. This amino acid position is conserved. In addition, this alteration is predicted to be tolerated by in silico analysis. Since supporting evidence is limited at this time, the clinical significance of this alteration remains unclear.